The following is an entry in ClinVar:

NM_000252.3(MTM1):c.335C>G (p.Thr112Ser)

Gene: MTM1 (myotubularin 1; plus strand). Cytogenetic location: Xq28.
Variant type: single nucleotide variant.
Coding change: c.335C>G on transcript NM_000252.3 (MANE Select); coding-DNA position 335, C replaced by G.
Protein change: p.Thr112Ser; replaces threonine 112 with serine.
Molecular consequence: missense variant. On other transcripts: intron variant (1).
Genome position (GRCh38, 1-based): chrX:150,614,692, C>G. VCF-style: chrX-150614692-C-G. GRCh37 (hg19) VCF-style: chrX-149783165-C-G.
Other names: c.335C>G, p.Thr112Ser (NM_001376906.1, NM_001376908.1); c.232-4346C>G (NM_001376907.1); short protein forms T112S.
Identifiers: ClinVar variation 2172320 (VCV002172320.4), dbSNP rs782652121, ClinGen allele CA415250330.
Genomic context (GRCh38, chrX:150,614,692, plus strand): 5'-GAATTGAAAAAATGGGAGGCGCGACAAGTAGAGGAGAAAATTCCTATGGTCTAGATATTA[C>G]TTGTAAAGTAAGAGATTCGATACTTTCTTATGCAAAGAACAAGGCACGTTAGTGTTGAAT-3'
Protein context (NP_000243.1, residues 102-122): RGENSYGLDI[Thr112Ser]CKDMRNLRFA

ClinVar aggregate classification (germline): Uncertain significance (1 of 4 stars; one submission).

Conditions:
Severe X-linked myotubular myopathy (CNMX). Also called: X-linked centronuclear myopathy; Myotubular myopathy, X-linked; MYOTUBULAR MYOPATHY 1. Identifiers: Orphanet 596, MedGen C0410203, MONDO:0010683, OMIM 310400.

Allele frequency attached by ClinVar (database versions not stated): TOPMed 0.00005.
gnomAD v4.1: 4 of 1,097,348 alleles (0.00036%); highest among the groups gnomAD compares: African/African-American, 0.0073%; no homozygotes.

Submission:

Labcorp Genetics (formerly Invitae), Labcorp
Classification: Uncertain significance for Severe X-linked myotubular myopathy. Last evaluated: 2022-10-25. Review status: criteria provided, single submitter. Criteria: Invitae Variant Classification Sherloc (09022015). Collection method: clinical testing. Allele origin: germline.
Comment: In summary, the available evidence is currently insufficient to determine the role of this variant in disease. Therefore, it has been classified as a Variant of Uncertain Significance. Advanced modeling of protein sequence and biophysical properties (such as structural, functional, and spatial information, amino acid conservation, physicochemical variation, residue mobility, and thermodynamic stability) performed at Invitae indicates that this missense variant is not expected to disrupt MTM1 protein function. This variant has not been reported in the literature in individuals affected with MTM1-related conditions. This variant is present in population databases (no rsID available, gnomAD 0.009%). This sequence change replaces threonine, which is neutral and polar, with serine, which is neutral and polar, at codon 112 of the MTM1 protein (p.Thr112Ser).